The following is an entry in ClinVar:

ClinVar aggregate classification (germline): Pathogenic (1 of 4 stars; one submission).

Conditions:
Glycine encephalopathy. Also called: Nonketotic hyperglycinemia; Non-ketotic hyperglycinemia. Identifiers: Orphanet 407, MedGen C0751748, MONDO:0011612, HP:0008288.

Submission:

Labcorp Genetics (formerly Invitae), Labcorp
Classification: Pathogenic for Glycine encephalopathy. Last evaluated: 2022-03-11. Review status: criteria provided, single submitter. Criteria: Invitae Variant Classification Sherloc (09022015). Collection method: clinical testing. Allele origin: germline.
Comment: For these reasons, this variant has been classified as Pathogenic. Variants that disrupt the consensus splice site are a relatively common cause of aberrant splicing (PMID: 17576681, 9536098). Algorithms developed to predict the effect of sequence changes on RNA splicing suggest that this variant may disrupt the consensus splice site. Disruption of this splice site has been observed in individual(s) with glycine encephalopathy (PMID: 27362913). In at least one individual the data is consistent with being in trans (on the opposite chromosome) from a pathogenic variant. This variant is not present in population databases (gnomAD no frequency). This sequence change affects a donor splice site in intron 8 of the AMT gene. While this variant is not anticipated to result in nonsense mediated decay, it likely alters RNA splicing and results in a disrupted protein product.

Literature cited by the submitters: PubMed 17576681; PubMed 9536098; PubMed 27362913.

NM_000481.4(AMT):c.1033+1G>A

Gene: AMT (aminomethyltransferase; minus strand). Cytogenetic location: 3p21.31.
Variant type: single nucleotide variant.
Coding change: c.1033+1G>A on transcript NM_000481.4 (MANE Select); the canonical splice donor site of the intron after coding-DNA position 1033, G replaced by A.
Molecular consequence: splice donor variant.
Genome position (GRCh38, 1-based): chr3:49,417,817, C>T on the plus strand (G>A on the coding strand, the complement: AMT is on the minus strand). VCF-style: chr3-49417817-C-T. GRCh37 (hg19) VCF-style: chr3-49455250-C-T.
Other names: c.865+1G>A (NM_001164711.2); c.901+1G>A (NM_001164710.2); c.1033+1G>A (NM_001164712.2).
Identifiers: ClinVar variation 2105835 (VCV002105835.4), dbSNP rs2107928969, ClinGen allele CA352789277.
Genomic context (GRCh38, chr3:49,417,817, plus strand): 5'-GCCAGTGCCCCCACCCTCCTGGGAAGAGACAAGGGTTTCCCAGCTTCCCTGGTCCACCTA[C>T]CAATCTTGGTACCCTCCATGTTCAGGATGGGACTGTGTGCCCGCATGGGGGCCCCCTCAC-3'